The following is an entry in ClinVar:

ClinVar aggregate classification (germline): Pathogenic. Review status: criteria provided, multiple submitters, no conflicts (2 of 4 stars). 2 submissions from 2 submitters: Pathogenic (2). Last evaluated 2022-03-12.

Conditions:
Intellectual developmental disorder, autosomal dominant 1. Also called: Intellectual disability, autosomal dominant 1; MBD5 Haploinsufficiency. Identifiers: Orphanet 228402, MedGen C1969562, MONDO:0007974, OMIM 156200.

Submissions (2):

Labcorp Genetics (formerly Invitae), Labcorp
Classification: Pathogenic for Intellectual developmental disorder, autosomal dominant 1. Last evaluated: 2022-03-12. Review status: criteria provided, single submitter. Criteria: Invitae Variant Classification Sherloc (09022015). Collection method: clinical testing. Allele origin: germline.
Comment: For these reasons, this variant has been classified as Pathogenic. Algorithms developed to predict the effect of sequence changes on RNA splicing suggest that this variant may disrupt the consensus splice site. Disruption of this splice site has been observed in individual(s) with clinical features of MBD5-related conditions (PMID: 31820818). In at least one individual the variant was observed to be de novo. This variant is not present in population databases (gnomAD no frequency). This sequence change affects a donor splice site in intron 8 of the MBD5 gene. It is expected to disrupt RNA splicing. Variants that disrupt the donor or acceptor splice site typically lead to a loss of protein function (PMID: 16199547), and loss-of-function variants in MBD5 are known to be pathogenic (PMID: 23422940, 23587880).

Institute of Human Genetics Munich, TUM University Hospital
Classification: Pathogenic for Intellectual developmental disorder, autosomal dominant 1. Last evaluated: 2020-11-09. Review status: criteria provided, single submitter. Criteria: Classification criteria August 2017. Collection method: clinical testing. Allele origin: de novo. Inheritance: Autosomal dominant inheritance. Affected: yes. Observed: 1 variant allele.

Literature cited by the submitters: PubMed 31820818 (cited by Labcorp Genetics (formerly Invitae), Labcorp); PubMed 16199547 (cited by Labcorp Genetics (formerly Invitae), Labcorp); PubMed 23422940 (cited by Labcorp Genetics (formerly Invitae), Labcorp); PubMed 23587880 (cited by Labcorp Genetics (formerly Invitae), Labcorp).

NM_001378120.1(MBD5):c.397+2T>C

Gene: MBD5 (methyl-CpG binding domain protein 5; plus strand). Cytogenetic location: 2q23.1.
Variant type: single nucleotide variant.
Coding change: c.397+2T>C on transcript NM_001378120.1 (MANE Select); the canonical splice donor site of the intron after coding-DNA position 397, T replaced by C.
Molecular consequence: splice donor variant.
Genome position (GRCh38, 1-based): chr2:148,463,921, T>C. VCF-style: chr2-148463921-T-C. GRCh37 (hg19) VCF-style: chr2-149221490-T-C.
Other names: c.397+2T>C (NM_018328.5).
Identifiers: ClinVar variation 1804006 (VCV001804006.6), dbSNP rs2469819703, ClinGen allele CA348716705.